The following is an entry in ClinVar:

ClinVar aggregate classification (germline): Likely benign. Review status: criteria provided, multiple submitters, no conflicts (2 of 4 stars). 5 submissions from 5 submitters: Likely benign (5). Last evaluated 2026-09-01.

Conditions:
Familial thoracic aortic aneurysm and aortic dissection (TAAD). Also called: Thoracic aortic aneurysms and dissections. Identifiers: Orphanet 91387, MedGen C4707243, MONDO:0019625.
Marfan syndrome (MFS). Also called: FBN1-Related Marfan Syndrome; MARFAN SYNDROME, TYPE I; Marfan syndrome, classic; Marfan syndrome type 1; Marfan's syndrome. Identifiers: Orphanet 284963, Orphanet 558, MedGen C0024796, MONDO:0007947, OMIM 154700.

Allele frequency attached by ClinVar (database versions not stated): gnomAD exomes 0.00001 and below 0.00001; TOPMed 0.00001.
gnomAD v4.1: 7 of 1,614,014 alleles (0.00043%); highest among the groups gnomAD compares: Admixed American, 0.0067%; no homozygotes.

Submissions (5):

CeGaT Center for Human Genetics Tuebingen
Classification: Likely benign. Last evaluated: 2026-09-01. Review status: criteria provided, single submitter. Criteria: CeGaT Center For Human Genetics Tuebingen Variant Classification Criteria Version 2. Collection method: clinical testing. Allele origin: germline. Affected: yes. Observed: 1 variant allele.
Comment: FBN1: BP4, BP7

Women's Health and Genetics/Laboratory Corporation of America, LabCorp
Classification: Likely benign. Last evaluated: 2025-05-30. Review status: criteria provided, single submitter. Criteria: LabCorp Variant Classification Summary - May 2015. Collection method: clinical testing. Allele origin: germline.

Labcorp Genetics (formerly Invitae), Labcorp
Classification: Likely benign for Marfan syndrome; Familial thoracic aortic aneurysm and aortic dissection. Last evaluated: 2025-04-28. Review status: criteria provided, single submitter. Criteria: Invitae Variant Classification Sherloc (09022015). Collection method: clinical testing. Allele origin: germline.

All of Us Research Program, National Institutes of Health
Classification: Likely benign for Marfan syndrome. Last evaluated: 2023-11-30. Review status: criteria provided, single submitter. Criteria: ACMG Guidelines, 2015. Collection method: clinical testing. Allele origin: germline. Inheritance: Autosomal dominant inheritance. Observed: 2 variant alleles, 2 heterozygotes.
Comment: This study involves interpretation of variants in research participants for the purpose of population health screening. Participant phenotype was not available at the time of variant classification. Additional details can be found in publication PMID: 35346344, PMCID: PMC8962531

Color Diagnostics, LLC DBA Color Health
Classification: Likely benign for Familial thoracic aortic aneurysm and aortic dissection. Last evaluated: 2020-12-08. Review status: criteria provided, single submitter. Criteria: ACMG Guidelines, 2015. Collection method: clinical testing. Allele origin: germline.

NM_000138.5(FBN1):c.1368C>G (p.Val456=)

Gene: FBN1 (fibrillin 1; minus strand). Cytogenetic location: 15q21.1.
Variant type: single nucleotide variant.
Coding change: c.1368C>G on transcript NM_000138.5 (MANE Select); coding-DNA position 1368, C replaced by G.
Protein change: p.Val456=; no amino-acid change (valine 456 retained).
Molecular consequence: synonymous variant.
Genome position (GRCh38, 1-based): chr15:48,515,487, G>C on the plus strand (C>G on the coding strand, the complement: FBN1 is on the minus strand). VCF-style: chr15-48515487-G-C. GRCh37 (hg19) VCF-style: chr15-48807684-G-C.
Identifiers: ClinVar variation 1080190 (VCV001080190.13), dbSNP rs1433264110, ClinGen allele CA490028293.